The following is an entry in ClinVar:

ClinVar aggregate classification (germline): Uncertain significance (1 of 4 stars; one submission).

Conditions:
Inborn genetic diseases. Identifiers: MedGen C0950123, MeSH D030342.

Allele frequency attached by ClinVar (database versions not stated): gnomAD exomes 0.00001; TOPMed 0.00001; gnomAD 0.00002.
gnomAD v4.1: 6 of 1,210,646 alleles (0.0005%); highest among the groups gnomAD compares: Non-Finnish European, 0.00067%; no homozygotes.

Submission:

Ambry Genetics
Classification: Uncertain significance for Inborn genetic diseases. Last evaluated: 2019-02-17. Review status: criteria provided, single submitter. Criteria: Ambry Variant Classification Scheme 2023. Collection method: clinical testing. Allele origin: germline.
Comment: The p.A653T variant (also known as c.1957G>A), located in coding exon 14 of the KDM5C gene, results from a G to A substitution at nucleotide position 1957. The alanine at codon 653 is replaced by threonine, an amino acid with similar properties. This amino acid position is highly conserved in available vertebrate species. In addition, this alteration is predicted to be tolerated by in silico analysis. Since supporting evidence is limited at this time, the clinical significance of this alteration remains unclear.

NM_004187.5(KDM5C):c.1957G>A (p.Ala653Thr)

Gene: KDM5C (lysine demethylase 5C; minus strand). Cytogenetic location: Xp11.22.
Variant type: single nucleotide variant.
Coding change: c.1957G>A on transcript NM_004187.5 (MANE Select); coding-DNA position 1957, G replaced by A.
Protein change: p.Ala653Thr; replaces alanine 653 with threonine.
Molecular consequence: missense variant. On other transcripts: non-coding transcript variant (3).
Genome position (GRCh38, 1-based): chrX:53,201,654, C>T on the plus strand (G>A on the coding strand, the complement: KDM5C is on the minus strand). VCF-style: chrX-53201654-C-T. GRCh37 (hg19) VCF-style: chrX-53230836-C-T.
Other names: c.1756G>A, p.Ala586Thr (NM_001146702.2); c.1954G>A, p.Ala652Thr (NM_001282622.3, NM_001353979.2, NM_001353982.2); c.1957G>A, p.Ala653Thr (NM_001353978.3, NM_001353981.2, NM_001353984.2); short protein forms A586T, A652T, A653T.
Identifiers: ClinVar variation 1783336 (VCV001783336.2), dbSNP rs1459134824, ClinGen allele CA413123337.